The following is an entry in ClinVar:

NM_032607.3(CREB3L3):c.732dup (p.Lys245fs)

Gene: CREB3L3 (cAMP responsive element binding protein 3 like 3; plus strand). Cytogenetic location: 19p13.3.
Variant type: Duplication.
Coding change: c.732dup on transcript NM_032607.3 (MANE Select); coding-DNA position 732, one base duplicated (G; older notation c.732dupG).
Protein change: p.Lys245fs; shifts the reading frame from lysine 245.
Molecular consequence: frameshift variant. On other transcripts: intron variant (1).
Genome position (GRCh38, 1-based): chr19:4,168,368, G duplicated. VCF-style (leftmost placement, unchanged base first): chr19-4168367-T-TG. GRCh37 (hg19) VCF-style: chr19-4168364-T-TG.
Other names: c.729dup, p.Lys244fs (NM_001271995.2); c.726dup, p.Lys243fs (NM_001271996.2); c.715-1772dup (NM_001271997.2); c.732dupG (NM_032607.3, NM_032607.1); short protein forms K243fs, K244fs, K245fs.
Identifiers: ClinVar variation 979022 (VCV000979022.16), dbSNP rs780374391, ClinGen allele CA9091450.

ClinVar aggregate classification (germline): Conflicting classifications of pathogenicity. Review status: criteria provided, conflicting classifications (1 of 4 stars). 8 submissions from 8 submitters: Uncertain significance (6); Likely benign (1). 1 of the submissions does not count toward it. Last evaluated 2026-07-06.

Conditions:
Hypertriglyceridemia 1. Also called: Hypertriglyceridemia, familial. Identifiers: MedGen C5444012, MONDO:0007788, OMIM 145750.
Hypertriglyceridemia 2. Identifiers: MedGen C5543398, MONDO:0859149, OMIM 619324.

Allele frequency attached by ClinVar (database versions not stated): 1000 Genomes Project 30x 0.00016; gnomAD 0.00038 and 0.00036; gnomAD exomes 0.00046 and 0.00027; ExAC 0.00059; ESP Exome Variant Server 0.00024; TOPMed 0.00034.

Submissions (8):

Ambry Genetics
Classification: Uncertain significance. Last evaluated: 2026-07-06. Review status: criteria provided, single submitter. Criteria: Ambry Variant Classification Scheme 2023. Collection method: clinical testing. Allele origin: germline.
Comment: The c.732dupG (p.K245Efs*130) alteration, located in exon 6 (coding exon 6) of the CREB3L3 gene, consists of a duplication of G at position 732, causing a translational frameshift with a predicted alternate stop codon after 130 amino acids. Frameshift alterations are typically deleterious in nature (Richards, 2015). Based on data from gnomAD, the GG allele has an overall frequency of 0.045% (126/281946) total alleles studied. The highest observed frequency was 0.153% (11/7194) of Other alleles. Based on insufficient or conflicting evidence, the clinical significance of this alteration remains unclear.

Labcorp Genetics (formerly Invitae), Labcorp
Classification: Likely benign. Last evaluated: 2026-02-01. Review status: criteria provided, single submitter. Criteria: Invitae Variant Classification Sherloc (09022015). Collection method: clinical testing. Allele origin: germline.

Laboratory of Genetics, Children's Clinical University Hospital Latvia
Classification: Uncertain significance. Last evaluated: 2025-02-16. Review status: criteria provided, single submitter. Criteria: ACMG Guidelines, 2015. Collection method: clinical testing. Allele origin: germline. Affected: yes.

Women's Health and Genetics/Laboratory Corporation of America, LabCorp
Classification: Uncertain significance. Last evaluated: 2024-05-13. Review status: criteria provided, single submitter. Criteria: LabCorp Variant Classification Summary - May 2015. Collection method: clinical testing. Allele origin: germline.
Comment: Variant summary: CREB3L3 c.732dupG (p.Lys245GlufsX130) results in a premature termination codon, predicted to cause a truncation of the encoded protein or absence of the protein due to nonsense mediated decay, which are commonly known mechanisms for disease. The variant allele was found at a frequency of 0.00046 in 250596 control chromosomes, suggesting the variant could be benign. However, c.732dupG or nearby variant(s) resulting in the same protein effect have been reported in the literature in multiple individuals affected with Hypertriglyceridemia 2, including as a heterozygous genotype in multiple familial pedrigrees showing autosomal dominant transmission, or was reported in unaffected individuals (e.g. Lee_2011, Johnston_2015, Deshotels_2022, Ying_2023). Polygenic risk scores calculated in several of these studies have led to reporting of this variant as a risk factor for the development of Hypertriglyceridemia, citing additional evidence that individuals with severe hypertriglyceridemia were found to be 20X more likely to carry a heterozygous LOF variant in CREB3L3 (e.g. Dron_2020). These data indicate that the variant is possibly to be associated with disease. To our knowledge, no experimental evidence demonstrating an impact on protein function has been reported. The following publications have been ascertained in the context of this evaluation (PMID: 36325899, 26046366, 21666694, 37940981, 32580631). ClinVar contains an entry for this variant (Variation ID: 979022). Based on the evidence outlined above, the variant was classified as VUS-possibly pathogenic.

Department of Pathology and Laboratory Medicine, Sinai Health System
Classification: Uncertain significance for Hypertriglyceridemia 2. Last evaluated: 2022-12-13. Review status: criteria provided, single submitter. Criteria: ACMG Guidelines, 2015. Collection method: research. Allele origin: germline.

Institute of Human Genetics, University of Leipzig Medical Center
Classification: Uncertain significance for Hypertriglyceridemia 2. Last evaluated: 2021-10-20. Review status: criteria provided, single submitter. Criteria: ACMG Guidelines, 2015. Collection method: clinical testing. Allele origin: unknown. Affected: yes.
Comment: _x000D_ Criteria applied: PVS1_STR, PS4_SUP

AiLife Diagnostics
Classification: Uncertain significance. Last evaluated: 2021-05-29. Review status: criteria provided, single submitter. Criteria: ACMG Guidelines, 2015. Collection method: clinical testing. Allele origin: germline. Affected: yes. Observed: 1 variant allele.

GBinsight Genetic Testing by GB HealthWatch, Genben Lifesciences Corporation
Classification: Pathogenic for Familial hypertriglyceridemia. Last evaluated: 2020-05-27. Review status: no assertion criteria provided. Collection method: clinical testing. Allele origin: germline. Inheritance: Autosomal dominant inheritance. Affected: yes. Observed: 1 heterozygote. Not counted in ClinVar's aggregate classification.
Comment: Multiple, unrelated, probands were referred, from independent clinics, for clinical genetic testing for familial hyperchtriglyceridemia. Probands were referred for clinical genetic testing presented with severe hypertriglyceridemia, low HDL-cholesterol and type 2 diabetes. Clinical genetic testing identified heterozygosity for the p.Lys245GlufsTer130 (NM_032607.3:c.732dupG) genetic variant in the the germline. The pathogenicity of this variant is supported by several publications that have demonstrated that this variant is a loss-of-function and is a cause of severe hypertriglyceridemia.

Literature cited by the submitters: PubMed 28106320 (cited by Ambry Genetics); PubMed 26046366 (cited by Women's Health and Genetics/Laboratory Corporation of America, LabCorp); PubMed 36325899 (cited by Women's Health and Genetics/Laboratory Corporation of America, LabCorp); PubMed 21666694 (cited by Women's Health and Genetics/Laboratory Corporation of America, LabCorp); PubMed 37940981 (cited by Women's Health and Genetics/Laboratory Corporation of America, LabCorp).